The following is an entry in ClinVar:

NM_003172.4(SURF1):c.456CTC[2] (p.Ser155del)

Gene: SURF1 (SURF1 cytochrome c oxidase assembly factor; minus strand). Cytogenetic location: 9q34.2.
Variant type: Microsatellite.
Coding change: c.456CTC[2] on transcript NM_003172.4 (MANE Select); two copies in a row of the 3-base unit CTC starting at c.456; the reference has three copies in a row; one copy, 3 bases deleted.
Protein change: p.Ser155del; deletes serine 155.
Molecular consequence: inframe deletion.
Genome position (GRCh38, 1-based): chr9:133,353,800-133,353,802, GAG deleted on the plus strand (CTC on the coding strand, the reverse complement: SURF1 is on the minus strand); deleting any 3 consecutive bases within chr9:133,353,800-133,353,808 gives the same sequence; the position shown is the placement nearest the transcript's 3' end. VCF-style (leftmost placement, unchanged base first): chr9-133353799-TGAG-T. GRCh37 (hg19) VCF-style: chr9-136220654-TGAG-T.
Other names: c.129CTC[2], p.Ser46del (NM_001280787.1); short protein forms S46del, S155del.
Identifiers: ClinVar variation 1438903 (VCV001438903.3), dbSNP rs782208909, ClinGen allele CA200832991.
Genomic context (GRCh38, chr9:133,353,799, plus strand): 5'-TCCTACTCACCCCAGGTCGGTGCAGTGGAAGGGAGTGACCACATAGGCCCCACTCTGAGT[TGAG>T]GAGGAGATGAGGCCGCCCTCCCGGGCCTCCCGGACAGGGTCCACCATGGTCCGGGGCATC-3'

ClinVar aggregate classification (germline): Uncertain significance (1 of 4 stars; one submission).

Conditions:
Leigh syndrome (NULS). Also called: Leigh Syndrome (mtDNA deletion); Leigh's necrotizing encephalopathy; Leigh's disease; Leigh's syndrome; Leigh Disease; LEIGH SYNDROME, NUCLEAR. Identifiers: Orphanet 506, MedGen C2931891, MONDO:0009723, OMIM 256000.

Submission:

Labcorp Genetics (formerly Invitae), Labcorp
Classification: Uncertain significance for Leigh syndrome. Last evaluated: 2022-08-23. Review status: criteria provided, single submitter. Criteria: Invitae Variant Classification Sherloc (09022015). Collection method: clinical testing. Allele origin: germline.
Comment: This variant, c.462_464del, results in the deletion of 1 amino acid(s) of the SURF1 protein (p.Ser155del), but otherwise preserves the integrity of the reading frame. This variant is present in population databases (rs782208909, gnomAD 0.02%). This variant has not been reported in the literature in individuals affected with SURF1-related conditions. Experimental studies and prediction algorithms are not available or were not evaluated, and the functional significance of this variant is currently unknown. In summary, the available evidence is currently insufficient to determine the role of this variant in disease. Therefore, it has been classified as a Variant of Uncertain Significance.